The following is an entry in ClinVar:

NM_000218.3(KCNQ1):c.1685+2T>G

Gene: KCNQ1 (potassium voltage-gated channel subfamily Q member 1; plus strand). Cytogenetic location: 11p15.5.
Variant type: single nucleotide variant.
Coding change: c.1685+2T>G on transcript NM_000218.3 (MANE Select); the canonical splice donor site of the intron after coding-DNA position 1685, T replaced by G.
Molecular consequence: splice donor variant.
Genome position (GRCh38, 1-based): chr11:2,776,056, T>G. VCF-style: chr11-2776056-T-G. GRCh37 (hg19) VCF-style: chr11-2797286-T-G.
Other names: c.1415+2T>G (NM_001406837.1); c.1589+2T>G (NM_001406836.1); c.1145+2T>G (NM_001406838.1); c.1304+2T>G (NM_181798.2).
Identifiers: ClinVar variation 667007 (VCV000667007.8), dbSNP rs1590081467, ClinGen allele CA379139256.

ClinVar aggregate classification (germline): Likely pathogenic. Review status: criteria provided, multiple submitters, no conflicts (2 of 4 stars). 2 submissions from 2 submitters: Likely pathogenic (2). Last evaluated 2018-10-21.

Conditions:
Familial long QT syndrome (RWS). Also called: VENTRICULAR FIBRILLATION WITH PROLONGED QT INTERVAL; Congenital long QT syndrome; Romano-Ward syndrome. Identifiers: Orphanet 768, MedGen C1141890, MONDO:0019171.
Long QT syndrome 1 (LQT1). Identifiers: Orphanet 101016, Orphanet 768, MedGen C4551647, MONDO:0100316, OMIM 192500, MONDO:0008646.
Atrial fibrillation, familial, 3 (ATFB3). Identifiers: MedGen C1837014, MONDO:0011857, OMIM 607554.
Jervell and Lange-Nielsen syndrome 1 (JLNS1). Also called: CARDIOAUDITORY SYNDROME OF JERVELL AND LANGE-NIELSEN; DEAFNESS, CONGENITAL, AND FUNCTIONAL HEART DISEASE; PROLONGED QT INTERVAL IN EKG AND SUDDEN DEATH; SURDO-CARDIAC SYNDROME. Identifiers: Orphanet 768, Orphanet 90647, MedGen C4551509, MONDO:0024540, OMIM 220400.
Short QT syndrome type 2. Identifiers: Orphanet 51083, MedGen C1865019, MONDO:0012313, OMIM 609621.

Submissions (2):

Laboratory for Molecular Medicine, Mass General Brigham Personalized Medicine
Classification: Likely pathogenic for Familial long QT syndrome. Last evaluated: 2018-10-21. Review status: criteria provided, single submitter. Criteria: LMM Criteria. Collection method: clinical testing. Allele origin: germline. Inheritance: Autosomal dominant inheritance. Observed: 1 variant allele.
Comment: The c.1685+2T>G variant in KCNQ1 has not been previously reported in individuals with long QT syndrome (LQTS) or in large population studies. This variant occur s in the invariant region (+/- 1,2) of the splice consensus sequence and is pred icted to cause altered splicing leading to an abnormal or absent protein. Hetero zygous loss of function of the KCNQ1 gene is an established disease mechanism in individuals with LQTS. In summary, although additional studies are required to fully establish its clinical significance, the c.1685+2T>G variant meets criteri a to be classified as likely pathogenic for autosomal dominant LQTS based upon t he predicted impact on the protein and its absence from the general population. ACMG/AMP criteria applied: PVS1, PM2.

Juno Genomics, Hangzhou Juno Genomics, Inc
Classification: Likely pathogenic for Long QT syndrome 1; Atrial fibrillation, familial, 3; Jervell and Lange-Nielsen syndrome 1; Short QT syndrome type 2. Review status: criteria provided, single submitter. Criteria: ACMG Guidelines, 2015. Collection method: clinical testing. Allele origin: germline.
Comment: Absent from controls (or at extremely low frequency if recessive) in Genome Aggregation Database.;Null variant in a gene where loss of function (LOF) is a known mechanism of disease.